The following is an entry in ClinVar:

ClinVar aggregate classification (germline): Uncertain significance (1 of 4 stars; one submission).

Conditions:
Immunodeficiency 37 (IMD37). Identifiers: MedGen C4015195, MONDO:0014491, OMIM 616098.

Allele frequency attached by ClinVar (database versions not stated): gnomAD exomes below 0.00001; gnomAD 0.00001.
gnomAD v4.1: 4 of 1,601,084 alleles (0.00025%); highest among the groups gnomAD compares: African/African-American, 0.0014%; no homozygotes.

Submission:

Labcorp Genetics (formerly Invitae), Labcorp
Classification: Uncertain significance for Immunodeficiency 37. Last evaluated: 2022-08-23. Review status: criteria provided, single submitter. Criteria: Invitae Variant Classification Sherloc (09022015). Collection method: clinical testing. Allele origin: germline.
Comment: This variant is not present in population databases (gnomAD no frequency). This sequence change replaces arginine, which is basic and polar, with cysteine, which is neutral and slightly polar, at codon 228 of the BCL10 protein (p.Arg228Cys). This variant has not been reported in the literature in individuals affected with BCL10-related conditions. In summary, the available evidence is currently insufficient to determine the role of this variant in disease. Therefore, it has been classified as a Variant of Uncertain Significance. Algorithms developed to predict the effect of missense changes on protein structure and function are either unavailable or do not agree on the potential impact of this missense change (SIFT: "Deleterious"; PolyPhen-2: "Possibly Damaging"; Align-GVGD: "Class C15"). ClinVar contains an entry for this variant (Variation ID: 1019881).

NM_003921.5(BCL10):c.682C>T (p.Arg228Cys)

Gene: BCL10 (BCL10 immune signaling adaptor; minus strand). Cytogenetic location: 1p22.3.
Variant type: single nucleotide variant.
Coding change: c.682C>T on transcript NM_003921.5 (MANE Select); coding-DNA position 682, C replaced by T.
Protein change: p.Arg228Cys; replaces arginine 228 with cysteine.
Molecular consequence: missense variant.
Genome position (GRCh38, 1-based): chr1:85,267,647, G>A on the plus strand (C>T on the coding strand, the complement: BCL10 is on the minus strand). VCF-style: chr1-85267647-G-A. GRCh37 (hg19) VCF-style: chr1-85733330-G-A.
Other names: c.649C>T, p.Arg217Cys (NM_001320715.2); short protein forms R217C, R228C.
Identifiers: ClinVar variation 1019881 (VCV001019881.8), dbSNP rs1557784897, ClinGen allele CA340948027.